The following is an entry in ClinVar:

ClinVar aggregate classification (germline): Uncertain significance (1 of 4 stars; one submission).

Allele frequency attached by ClinVar (database versions not stated): ExAC 0.00003; TOPMed 0.00001; gnomAD 0.00001.
gnomAD v4.1: 12 of 1,607,752 alleles (0.00075%); highest among the groups gnomAD compares: Admixed American, 0.0033%; no homozygotes.

Submission:

Labcorp Genetics (formerly Invitae), Labcorp
Classification: Uncertain significance. Last evaluated: 2025-03-14. Review status: criteria provided, single submitter. Criteria: Invitae Variant Classification Sherloc (09022015). Collection method: clinical testing. Allele origin: germline.
Comment: This sequence change replaces arginine, which is basic and polar, with tryptophan, which is neutral and slightly polar, at codon 103 of the APC2 protein (p.Arg103Trp). This variant is present in population databases (rs763733042, gnomAD 0.02%). This variant has not been reported in the literature in individuals affected with APC2-related conditions. ClinVar contains an entry for this variant (Variation ID: 2027223). An algorithm developed to predict the effect of missense changes on protein structure and function (PolyPhen-2) suggests that this variant is likely to be disruptive. In summary, the available evidence is currently insufficient to determine the role of this variant in disease. Therefore, it has been classified as a Variant of Uncertain Significance.

NM_005883.3(APC2):c.307C>T (p.Arg103Trp)

Gene: APC2 (APC regulator of Wnt signaling pathway 2; plus strand). Cytogenetic location: 19p13.3.
Variant type: single nucleotide variant.
Coding change: c.307C>T on transcript NM_005883.3 (MANE Select); coding-DNA position 307, C replaced by T.
Protein change: p.Arg103Trp; replaces arginine 103 with tryptophan.
Molecular consequence: missense variant.
Genome position (GRCh38, 1-based): chr19:1,453,505, C>T. VCF-style: chr19-1453505-C-T. GRCh37 (hg19) VCF-style: chr19-1453504-C-T.
Other names: c.307C>T, p.Arg103Trp (NM_001351273.1); short protein forms R103W.
Identifiers: ClinVar variation 2027223 (VCV002027223.4), dbSNP rs763733042, ClinGen allele CA9044684.